The following is an entry in ClinVar:

NM_001999.4(FBN2):c.4708G>T (p.Gly1570Cys)

Gene: FBN2 (fibrillin 2; minus strand). Cytogenetic location: 5q23.3.
Variant type: single nucleotide variant.
Coding change: c.4708G>T on transcript NM_001999.4 (MANE Select); coding-DNA position 4708, G replaced by T.
Protein change: p.Gly1570Cys; replaces glycine 1570 with cysteine.
Molecular consequence: missense variant.
Genome position (GRCh38, 1-based): chr5:128,318,158, C>A on the plus strand (G>T on the coding strand, the complement: FBN2 is on the minus strand). VCF-style: chr5-128318158-C-A. GRCh37 (hg19) VCF-style: chr5-127653850-C-A.
Other names: short protein forms G1570C.
Identifiers: ClinVar variation 1677885 (VCV001677885.6), dbSNP rs1554121027, ClinGen allele CA3394880.

ClinVar aggregate classification (germline): Uncertain significance. Review status: criteria provided, multiple submitters, no conflicts (2 of 4 stars). 2 submissions from 2 submitters: Uncertain significance (2). Last evaluated 2022-11-17.

Conditions:
Congenital contractural arachnodactyly (CCA). Also called: BEALS SYNDROME; Beals-Hecht syndrome; Arthrogryposis, distal, type 9. Identifiers: Orphanet 115, MedGen C0220668, MONDO:0007363, OMIM 121050.

Allele frequency attached by ClinVar (database versions not stated): gnomAD exomes below 0.00001; ExAC 0.00001; gnomAD 0.00001.
gnomAD v4.1: 7 of 1,613,946 alleles (0.00043%); highest among the groups gnomAD compares: South Asian, 0.0011%; no homozygotes.

Submissions (2):

Labcorp Genetics (formerly Invitae), Labcorp
Classification: Uncertain significance for Congenital contractural arachnodactyly. Last evaluated: 2022-11-17. Review status: criteria provided, single submitter. Criteria: Invitae Variant Classification Sherloc (09022015). Collection method: clinical testing. Allele origin: germline.
Comment: This variant is present in population databases (no rsID available, gnomAD 0.004%). This variant has not been reported in the literature in individuals affected with FBN2-related conditions. ClinVar contains an entry for this variant (Variation ID: 1677885). Advanced modeling of protein sequence and biophysical properties (such as structural, functional, and spatial information, amino acid conservation, physicochemical variation, residue mobility, and thermodynamic stability) performed at Invitae indicates that this missense variant is expected to disrupt FBN2 protein function. This sequence change replaces glycine, which is neutral and non-polar, with cysteine, which is neutral and slightly polar, at codon 1570 of the FBN2 protein (p.Gly1570Cys). In summary, the available evidence is currently insufficient to determine the role of this variant in disease. Therefore, it has been classified as a Variant of Uncertain Significance.

AiLife Diagnostics
Classification: Uncertain significance. Last evaluated: 2022-02-02. Review status: criteria provided, single submitter. Criteria: ACMG Guidelines, 2015. Collection method: clinical testing. Allele origin: germline. Affected: yes. Observed: 1 variant allele.